The following is an entry in ClinVar:

NM_018149.7(SMG8):c.2826del (p.Glu943fs)

Gene: SMG8 (SMG8 nonsense mediated mRNA decay factor; plus strand). Cytogenetic location: 17q22.
Variant type: Deletion.
Coding change: c.2826del on transcript NM_018149.7 (MANE Select); coding-DNA position 2826, one base deleted (A; older notation c.2826delA).
Protein change: p.Glu943fs; shifts the reading frame from glutamic acid 943.
Molecular consequence: frameshift variant.
Genome position (GRCh38, 1-based): chr17:59,214,852, A deleted; the last of 2 consecutive A bases (chr17:59,214,851-59,214,852); deleting either gives the same sequence. VCF-style (leftmost placement, unchanged base first): chr17-59214850-CA-C. GRCh37 (hg19) VCF-style: chr17-57292211-CA-C.
Other names: short protein forms E943fs.
Identifiers: ClinVar variation 4839174 (VCV004839174.1).
Genomic context (GRCh38, chr17:59,214,850, plus strand): 5'-ACCTGTGTTTTTCAGGTTCAGCCAGGCCCACCACCATGTCCGGTATTCTACCCAGAAAAA[CA>C]AGAAATCACCCTTCCACCTGATGGCCTTTGGGTTTTGAGATTTCCTTATGCATATGTGAC-3'

ClinVar aggregate classification (germline): Uncertain significance (1 of 4 stars; one submission).

Conditions:
Inborn genetic diseases. Identifiers: MedGen C0950123, MeSH D030342.

Submission:

Ambry Genetics
Classification: Uncertain significance for Inborn genetic diseases. Last evaluated: 2026-01-23. Review status: criteria provided, single submitter. Criteria: Ambry Variant Classification Scheme 2023. Collection method: clinical testing. Allele origin: germline.
Comment: The c.2826delA (p.E943Kfs*12) alteration, located in exon 4 (coding exon 4) of the SMG8 gene, consists of a deletion of one nucleotide at position 2826, causing a translational frameshift with a predicted alternate stop codon after 12 amino acids. This variant is not expected to trigger nonsense-mediated mRNA decay, and impacts the last 4.9% of the protein. The exact functional effect of this alteration is unknown. This variant was not reported in population-based cohorts in the Genome Aggregation Database (gnomAD). Based on insufficient or conflicting evidence, the clinical significance of this alteration remains unclear.